The following is an entry in ClinVar:

NM_000702.4(ATP1A2):c.2546T>C (p.Met849Thr)

Gene: ATP1A2 (ATPase Na+/K+ transporting subunit alpha 2; plus strand). Cytogenetic location: 1q23.2.
Variant type: single nucleotide variant.
Coding change: c.2546T>C on transcript NM_000702.4 (MANE Select); coding-DNA position 2546, T replaced by C.
Protein change: p.Met849Thr; replaces methionine 849 with threonine.
Molecular consequence: missense variant.
Genome position (GRCh38, 1-based): chr1:160,136,353, T>C. VCF-style: chr1-160136353-T-C. GRCh37 (hg19) VCF-style: chr1-160106143-T-C.
Other names: short protein forms M849T.
Identifiers: ClinVar variation 2918528 (VCV002918528.3), dbSNP rs756728433, ClinGen allele CA1194769.

ClinVar aggregate classification (germline): Uncertain significance (1 of 4 stars; one submission).

Conditions:
Familial hemiplegic migraine. Identifiers: MedGen C0338484, MONDO:0000700.

Allele frequency attached by ClinVar (database versions not stated): TOPMed below 0.00001; gnomAD exomes 0.00001; ExAC 0.00002; gnomAD 0.00002.
gnomAD v4.1: 20 of 1,613,984 alleles (0.0012%); highest among the groups gnomAD compares: Non-Finnish European, 0.0016%; no homozygotes.

Submission:

Labcorp Genetics (formerly Invitae), Labcorp
Classification: Uncertain significance for Familial hemiplegic migraine. Last evaluated: 2024-04-24. Review status: criteria provided, single submitter. Criteria: Invitae Variant Classification Sherloc (09022015). Collection method: clinical testing. Allele origin: germline.
Comment: This sequence change replaces methionine, which is neutral and non-polar, with threonine, which is neutral and polar, at codon 849 of the ATP1A2 protein (p.Met849Thr). This variant is present in population databases (rs756728433, gnomAD 0.007%). This variant has not been reported in the literature in individuals affected with ATP1A2-related conditions. Advanced modeling of protein sequence and biophysical properties (such as structural, functional, and spatial information, amino acid conservation, physicochemical variation, residue mobility, and thermodynamic stability) performed at Invitae indicates that this missense variant is not expected to disrupt ATP1A2 protein function with a negative predictive value of 80%. In summary, the available evidence is currently insufficient to determine the role of this variant in disease. Therefore, it has been classified as a Variant of Uncertain Significance.